The following is an entry in ClinVar:

NM_178170.3(NEK8):c.1055G>T (p.Arg352Leu)

Gene: NEK8 (NIMA related kinase 8; plus strand). Cytogenetic location: 17q11.2.
Variant type: single nucleotide variant.
Coding change: c.1055G>T on transcript NM_178170.3 (MANE Select); coding-DNA position 1055, G replaced by T.
Protein change: p.Arg352Leu; replaces arginine 352 with leucine.
Molecular consequence: missense variant.
Genome position (GRCh38, 1-based): chr17:28,737,984, G>T. VCF-style: chr17-28737984-G-T. GRCh37 (hg19) VCF-style: chr17-27065002-G-T.
Other names: short protein forms R352L.
Identifiers: ClinVar variation 198630 (VCV000198630.41), dbSNP rs199933041, ClinGen allele CA247391.
Genomic context (GRCh38, chr17:28,737,984, plus strand): 5'-CAGAGGTGGTCCAGGTGGCAGCTGGGCGCACGCAGAAAGCCGGCGTCACGCGCTCTGGGC[G>T]TCTCATCCTGTGGGAGGTGAGCAGGCCAGGGGGTGGCCTGGATGGGTGGAGGTGGAGGTC-3'
Protein context (NP_835464.1, residues 342-362): TQKAGVTRSG[Arg352Leu]LILWEAPPLG

ClinVar aggregate classification (germline): Uncertain significance. Review status: criteria provided, multiple submitters, no conflicts (2 of 4 stars). 6 submissions from 6 submitters: Uncertain significance (6). Last evaluated 2026-06-02.

Conditions:
Nephronophthisis 9 (NPHP9). Identifiers: Orphanet 655, MedGen C3151188, MONDO:0013444, OMIM 613824.
Renal-hepatic-pancreatic dysplasia 2 (RHPD2). Identifiers: MedGen C3809434, MONDO:0014174, OMIM 615415.
Polycystic kidney disease 8. Identifiers: MedGen C5935640, MONDO:0971178, OMIM 620903.
NEK8-related disorder. Also called: NEK8-related condition.

Allele frequency attached by ClinVar (database versions not stated): ESP Exome Variant Server 0.00015; 1000 Genomes Project 30x 0.00016; 1000 Genomes Project 0.00020; ExAC 0.00020; gnomAD 0.00021 and 0.00022; TOPMed 0.00023.
gnomAD v4.1: 519 of 1,611,944 alleles (0.032%); highest among the groups gnomAD compares: Admixed American, 0.058%; no homozygotes.

Submissions (6):

PreventionGenetics, part of Exact Sciences
Classification: Uncertain significance for NEK8-related condition. Last evaluated: 2026-06-02. Review status: criteria provided, single submitter. Criteria: ACMG Guidelines, 2015. Collection method: clinical testing. Allele origin: germline.
Comment: The NEK8 c.1055G>T variant is predicted to result in the amino acid substitution p.Arg352Leu. This variant was reported along with another variant in NEK8 in an individual with hypertrophic cardiomyopathy (Vasilescu et al. 2018. PubMed ID: 30384889). This variant is reported in 0.057% of alleles in individuals of Latino descent in gnomAD. At this time, the clinical significance of this variant is uncertain due to the absence of conclusive functional and genetic evidence.

Labcorp Genetics (formerly Invitae), Labcorp
Classification: Uncertain significance for Nephronophthisis 9. Last evaluated: 2026-01-24. Review status: criteria provided, single submitter. Criteria: Invitae Variant Classification Sherloc (09022015). Collection method: clinical testing. Allele origin: germline.
Comment: This sequence change replaces arginine, which is basic and polar, with leucine, which is neutral and non-polar, at codon 352 of the NEK8 protein (p.Arg352Leu). This variant is present in population databases (rs199933041, gnomAD 0.05%). This missense change has been observed in individual(s) with NEK8-related conditions (PMID: 30384889). ClinVar contains an entry for this variant (Variation ID: 198630). An algorithm developed to predict the effect of missense changes on protein structure and function (PolyPhen-2) suggests that this variant is likely to be disruptive. In summary, the available evidence is currently insufficient to determine the role of this variant in disease. Therefore, it has been classified as a Variant of Uncertain Significance.

Fulgent Genetics
Classification: Uncertain significance for Nephronophthisis 9; Renal-hepatic-pancreatic dysplasia 2; Polycystic kidney disease 8. Last evaluated: 2024-06-13. Review status: criteria provided, single submitter. Criteria: ACMG Guidelines, 2015. Collection method: clinical testing. Allele origin: germline.

CeGaT Center for Human Genetics Tuebingen
Classification: Uncertain significance. Last evaluated: 2023-07-01. Review status: criteria provided, single submitter. Criteria: CeGaT Center For Human Genetics Tuebingen Variant Classification Criteria Version 2. Collection method: clinical testing. Allele origin: germline. Affected: yes. Observed: 1 variant allele.
Comment: NEK8: PM2:Supporting, PP3

Illumina Laboratory Services, Illumina
Classification: Uncertain significance for Nephronophthisis 9. Last evaluated: 2018-01-13. Review status: criteria provided, single submitter. Criteria: ICSL Variant Classification Criteria 13 December 2019. Collection method: clinical testing. Allele origin: germline.

Eurofins Ntd Llc (ga)
Classification: Uncertain significance. Last evaluated: 2015-01-12. Review status: criteria provided, single submitter. Criteria: EGL Classification Definitions 2015. Collection method: clinical testing. Allele origin: germline. Observed: 1 variant allele, 1 heterozygote.

Literature cited by the submitters: PubMed 30384889 (cited by Labcorp Genetics (formerly Invitae), Labcorp).